The following is an entry in ClinVar:

NM_004341.5(CAD):c.145A>T (p.Ile49Phe)

Gene: CAD (carbamoyl-phosphate synthetase 2, aspartate transcarbamylase, and dihydroorotase; plus strand). Cytogenetic location: 2p23.3.
Variant type: single nucleotide variant.
Coding change: c.145A>T on transcript NM_004341.5 (MANE Select); coding-DNA position 145, A replaced by T.
Protein change: p.Ile49Phe; replaces isoleucine 49 with phenylalanine.
Molecular consequence: missense variant.
Genome position (GRCh38, 1-based): chr2:27,217,939, A>T. VCF-style: chr2-27217939-A-T. GRCh37 (hg19) VCF-style: chr2-27440807-A-T.
Other names: c.145A>T, p.Ile49Phe (NM_001306079.2); short protein forms I49F.
Identifiers: ClinVar variation 1360170 (VCV001360170.5), dbSNP rs746920707, ClinGen allele CA1572337.

ClinVar aggregate classification (germline): Uncertain significance (1 of 4 stars; one submission).

Allele frequency attached by ClinVar (database versions not stated): gnomAD exomes below 0.00001 and 0.00002; ExAC 0.00001; TOPMed 0.00001.
gnomAD v4.1: 22 of 1,613,354 alleles (0.0014%); highest among the groups gnomAD compares: Non-Finnish European, 0.0019%; no homozygotes.

Submission:

Labcorp Genetics (formerly Invitae), Labcorp
Classification: Uncertain significance. Last evaluated: 2021-08-28. Review status: criteria provided, single submitter. Criteria: Invitae Variant Classification Sherloc (09022015). Collection method: clinical testing. Allele origin: germline.
Comment: This sequence change replaces isoleucine with phenylalanine at codon 49 of the CAD protein (p.Ile49Phe). The isoleucine residue is moderately conserved and there is a small physicochemical difference between isoleucine and phenylalanine. This variant is present in population databases (rs746920707, ExAC 0.002%). This variant has not been reported in the literature in individuals affected with CAD-related conditions. Algorithms developed to predict the effect of missense changes on protein structure and function are either unavailable or do not agree on the potential impact of this missense change (SIFT: "Deleterious"; PolyPhen-2: "Possibly Damaging"; Align-GVGD: "Class C0"). In summary, the available evidence is currently insufficient to determine the role of this variant in disease. Therefore, it has been classified as a Variant of Uncertain Significance.